The following is an entry in ClinVar:

ClinVar aggregate classification (germline): Pathogenic (1 of 4 stars; one submission).

Conditions:
Osteogenesis imperfecta type 7 (OI7). Also called: OI type 7; OI type VII; OSTEOGENESIS IMPERFECTA, TYPE IIB; Osteogenesis imperfecta type 2B; OI type 2B; Osteogenesis imperfecta, perinatal lethal autosomal recessive. Identifiers: MedGen C1853162, MONDO:0012536, OMIM 610682.

Submission:

Labcorp Genetics (formerly Invitae), Labcorp
Classification: Pathogenic for Osteogenesis imperfecta type 7. Last evaluated: 2023-10-17. Review status: criteria provided, single submitter. Criteria: Invitae Variant Classification Sherloc (09022015). Collection method: clinical testing. Allele origin: germline.
Comment: This sequence change creates a premature translational stop signal (p.Glu179*) in the CRTAP gene. It is expected to result in an absent or disrupted protein product. Loss-of-function variants in CRTAP are known to be pathogenic (PMID: 17055431, 19862557, 24715559). This variant is not present in population databases (gnomAD no frequency). This variant has not been reported in the literature in individuals affected with CRTAP-related conditions. For these reasons, this variant has been classified as Pathogenic.

Literature cited by the submitters: PubMed 17055431; PubMed 19862557; PubMed 24715559.

NM_006371.5(CRTAP):c.535G>T (p.Glu179Ter)

Gene: CRTAP (cartilage associated protein; plus strand). Cytogenetic location: 3p22.3.
Variant type: single nucleotide variant.
Coding change: c.535G>T on transcript NM_006371.5 (MANE Select); coding-DNA position 535, G replaced by T.
Protein change: p.Glu179Ter; replaces glutamic acid 179 with a stop codon.
Molecular consequence: nonsense. On other transcripts: intron variant (1).
Genome position (GRCh38, 1-based): chr3:33,120,407, G>T. VCF-style: chr3-33120407-G-T. GRCh37 (hg19) VCF-style: chr3-33161899-G-T.
Other names: c.535G>T, p.Glu179Ter (NM_001393363.1, NM_001393364.1); c.472-4001G>T (NM_001393365.1); short protein forms E179*.
Identifiers: ClinVar variation 2823552 (VCV002823552.4), dbSNP rs953081958, ClinGen allele CA352009061.